The following is an entry in ClinVar:

ClinVar aggregate classification (germline): Likely benign (1 of 4 stars; one submission).

Conditions:
Leigh syndrome (NULS). Also called: Leigh's necrotizing encephalopathy; Leigh's disease; Leigh Syndrome (mtDNA deletion); Leigh Disease; Subacute necrotizing encephalopathy; Necrotizing encephalopathy infantile subacute of Leigh. Identifiers: Orphanet 506, MedGen C2931891, MONDO:0009723, OMIM 256000.

Submission:

Wong Mito Lab, Molecular and Human Genetics, Baylor College of Medicine
Classification: Likely benign for Leigh syndrome. Last evaluated: 2019-10-17. Review status: criteria provided, single submitter. Criteria: Modified ACMG Guidelines (Unpublished). Collection method: clinical testing. Allele origin: germline.
Comment: The NC_012920.1:m.4702A>G (YP_003024027.1:p.Asn78Ser) variant in MTND2 gene is interpretated to be a Likely Benign variant based on the modified ACMG guidelines (unpublished). This variant meets the following evidence codes: BS1, BS4, BP4

NC_012920.1(MT-ND2):m.4702A>G

Gene: MT-ND2 (mitochondrially encoded NADH dehydrogenase 2; plus strand).
Variant type: single nucleotide variant.
Genome position: chrM-4702-A-G.
Identifiers: ClinVar variation 692483 (VCV000692483.1), dbSNP rs1603219570, ClinGen allele CA414775390.